The following is an entry in ClinVar:

ClinVar aggregate classification (germline): Pathogenic (1 of 4 stars; one submission).

Conditions:
Pheochromocytoma. Also called: MAX-Related Hereditary Paraganglioma-Pheochromocytoma Syndrome. Identifiers: Orphanet 29072, MedGen C0031511, MONDO:0008233, OMIM 171300, HP:0002666.
Gastrointestinal stromal tumor. Also called: Gastrointestinal stroma tumor; Gastrointestinal stromal tumor, somatic. Identifiers: Orphanet 44890, MedGen C0238198, MeSH D046152, MONDO:0011719, OMIM 606764, HP:0100723.
Pheochromocytoma/paraganglioma syndrome 4. Also called: CAROTID BODY TUMORS AND MULTIPLE EXTRAADRENAL PHEOCHROMOCYTOMAS; PARAGANGLIOMA, FAMILIAL MALIGNANT; PARAGANGLIOMAS, HEREDITARY EXTRAADRENAL; PHEOCHROMOCYTOMA, FAMILIAL EXTRAADRENAL; Paragangliomas 4; SDHB-Related Hereditary Paraganglioma-Pheochromocytoma Syndrome (Paragangliomas 4). Identifiers: Orphanet 29072, MedGen C1861848, MONDO:0007273, OMIM 115310.

Submission:

Labcorp Genetics (formerly Invitae), Labcorp
Classification: Pathogenic for Gastrointestinal stromal tumor; Pheochromocytoma/paraganglioma syndrome 4; Pheochromocytoma. Last evaluated: 2025-02-24. Review status: criteria provided, single submitter. Criteria: Invitae Variant Classification Sherloc (09022015). Collection method: clinical testing. Allele origin: germline.
Comment: This sequence change creates a premature translational stop signal (p.Lys158*) in the SDHB gene. It is expected to result in an absent or disrupted protein product. Loss-of-function variants in SDHB are known to be pathogenic (PMID: 19454582, 19802898). This variant is not present in population databases (gnomAD no frequency). This premature translational stop signal has been observed in individual(s) with SDHB-related conditions (PMID: 22566194). Algorithms developed to predict the effect of sequence changes on RNA splicing suggest that this variant may disrupt the consensus splice site. For these reasons, this variant has been classified as Pathogenic.

Literature cited by the submitters: PubMed 19454582; PubMed 19802898; PubMed 22566194.

NM_003000.3(SDHB):c.472A>T (p.Lys158Ter)

Gene: SDHB (succinate dehydrogenase complex iron sulfur subunit B; minus strand). Cytogenetic location: 1p36.13.
Variant type: single nucleotide variant.
Coding change: c.472A>T on transcript NM_003000.3 (MANE Select); coding-DNA position 472, A replaced by T.
Protein change: p.Lys158Ter; replaces lysine 158 with a stop codon.
Molecular consequence: nonsense.
Genome position (GRCh38, 1-based): chr1:17,027,817, T>A on the plus strand (A>T on the coding strand, the complement: SDHB is on the minus strand). VCF-style: chr1-17027817-T-A. GRCh37 (hg19) VCF-style: chr1-17354312-T-A.
Other names: c.418A>T, p.Lys140Ter (NM_001407361.1); short protein forms K140*, K158*.
Identifiers: ClinVar variation 4783511 (VCV004783511.1).